The following is an entry in ClinVar:

NM_144687.4(NLRP12):c.1171G>C (p.Val391Leu)

Gene: NLRP12 (NLR family pyrin domain containing 12; minus strand). Cytogenetic location: 19q13.42.
Variant type: single nucleotide variant.
Coding change: c.1171G>C on transcript NM_144687.4 (MANE Select); coding-DNA position 1171, G replaced by C.
Protein change: p.Val391Leu; replaces valine 391 with leucine.
Molecular consequence: missense variant.
Genome position (GRCh38, 1-based): chr19:53,810,488, C>G on the plus strand (G>C on the coding strand, the complement: NLRP12 is on the minus strand). VCF-style: chr19-53810488-C-G. GRCh37 (hg19) VCF-style: chr19-54313742-C-G.
Other names: c.1171G>C, p.Val391Leu (NM_001277126.2, NM_001277129.1); short protein forms V391L.
Identifiers: ClinVar variation 1990126 (VCV001990126.4), dbSNP rs199512582, ClinGen allele CA310070670.

ClinVar aggregate classification (germline): Uncertain significance (1 of 4 stars; one submission).

Conditions:
Familial cold autoinflammatory syndrome 2 (FCAS2). Identifiers: Orphanet 247868, MedGen C2673198, MONDO:0012724, OMIM 611762.

Allele frequency attached by ClinVar (database versions not stated): TOPMed 0.00001.
gnomAD v4.1: 4 of 1,614,092 alleles (0.00025%); highest among the groups gnomAD compares: East Asian, 0.0045%; no homozygotes.

Submission:

Labcorp Genetics (formerly Invitae), Labcorp
Classification: Uncertain significance for Familial cold autoinflammatory syndrome 2. Last evaluated: 2024-12-26. Review status: criteria provided, single submitter. Criteria: Invitae Variant Classification Sherloc (09022015). Collection method: clinical testing. Allele origin: germline.
Comment: This sequence change replaces valine, which is neutral and non-polar, with leucine, which is neutral and non-polar, at codon 391 of the NLRP12 protein (p.Val391Leu). This variant is present in population databases (no rsID available, gnomAD 0.006%). This variant has not been reported in the literature in individuals affected with NLRP12-related conditions. ClinVar contains an entry for this variant (Variation ID: 1990126). Invitae Evidence Modeling of protein sequence and biophysical properties (such as structural, functional, and spatial information, amino acid conservation, physicochemical variation, residue mobility, and thermodynamic stability) indicates that this missense variant is not expected to disrupt NLRP12 protein function with a negative predictive value of 80%. In summary, the available evidence is currently insufficient to determine the role of this variant in disease. Therefore, it has been classified as a Variant of Uncertain Significance.